The following is an entry in ClinVar:

NM_001367561.1(DOCK7):c.1610G>A (p.Ser537Asn)

Gene: DOCK7 (dedicator of cytokinesis 7; minus strand). Cytogenetic location: 1p31.3.
Variant type: single nucleotide variant.
Coding change: c.1610G>A on transcript NM_001367561.1 (MANE Select); coding-DNA position 1610, G replaced by A.
Protein change: p.Ser537Asn; replaces serine 537 with asparagine.
Molecular consequence: missense variant.
Genome position (GRCh38, 1-based): chr1:62,618,778, C>T on the plus strand (G>A on the coding strand, the complement: DOCK7 is on the minus strand). VCF-style: chr1-62618778-C-T. GRCh37 (hg19) VCF-style: chr1-63084449-C-T.
Other names: c.1610G>A, p.Ser537Asn (NM_001271999.2, NM_001272000.2, NM_001272001.2 and 3 more transcripts); c.1610G>A (NM_001271999.1); short protein forms S537N.
Identifiers: ClinVar variation 1007701 (VCV001007701.10), dbSNP rs1327760633, ClinGen allele CA340612527.
Genomic context (GRCh38, chr1:62,618,778, plus strand): 5'-TTTGGAACATAAACATCCCTTGCGGGAAACTCTAAGATTTCTCTGGTAGGTCTAACTCTA[C>T]TGTCAGGGTAAAGCTTCACTTGAAGCAGCTCCGGAGTTAGGCAATAATGGGGATTTTCAG-3'
Protein context (NP_001354490.1, residues 527-547): ELLQVKLYPD[Ser537Asn]RVRPTREILE

ClinVar aggregate classification (germline): Uncertain significance. Review status: criteria provided, multiple submitters, no conflicts (2 of 4 stars). 3 submissions from 3 submitters: Uncertain significance (3). Last evaluated 2023-05-01.

Conditions:
Developmental and epileptic encephalopathy, 23 (DEE23). Also called: Epileptic encephalopathy, early infantile, 23. Identifiers: Orphanet 411986, MedGen C4014492, MONDO:0014371, OMIM 615859.

Allele frequency attached by ClinVar (database versions not stated): gnomAD exomes below 0.00001.
gnomAD v4.1: 6 of 1,613,676 alleles (0.00037%); highest among the groups gnomAD compares: Middle Eastern, 0.017%; no homozygotes.

Submissions (3):

GeneDx
Classification: Uncertain significance. Last evaluated: 2023-05-01. Review status: criteria provided, single submitter. Criteria: GeneDx Variant Classification Process June 2021. Collection method: clinical testing. Allele origin: germline. Affected: yes.
Comment: Not observed at significant frequency in large population cohorts (gnomAD); In silico analysis supports that this missense variant does not alter protein structure/function; Has not been previously published as pathogenic or benign to our knowledge

Genome-Nilou Lab
Classification: Uncertain significance for Developmental and epileptic encephalopathy, 23. Last evaluated: 2023-04-11. Review status: criteria provided, single submitter. Criteria: ACMG Guidelines, 2015. Collection method: clinical testing. Allele origin: germline. Affected: no.

Labcorp Genetics (formerly Invitae), Labcorp
Classification: Uncertain significance for Developmental and epileptic encephalopathy, 23. Last evaluated: 2021-08-24. Review status: criteria provided, single submitter. Criteria: Invitae Variant Classification Sherloc (09022015). Collection method: clinical testing. Allele origin: germline.
Comment: This sequence change replaces serine with asparagine at codon 537 of the DOCK7 protein (p.Ser537Asn). The serine residue is moderately conserved and there is a small physicochemical difference between serine and asparagine. This variant is not present in population databases (ExAC no frequency). This variant has not been reported in the literature in individuals affected with DOCK7-related conditions. Algorithms developed to predict the effect of missense changes on protein structure and function (SIFT, PolyPhen-2, Align-GVGD) all suggest that this variant is likely to be tolerated. In summary, the available evidence is currently insufficient to determine the role of this variant in disease. Therefore, it has been classified as a Variant of Uncertain Significance.